The following is an entry in ClinVar:

ClinVar aggregate classification (germline): Uncertain significance (1 of 4 stars; one submission).

Allele frequency attached by ClinVar (database versions not stated): gnomAD exomes below 0.00001.
gnomAD v4.1: 4 of 1,613,744 alleles (0.00025%); highest among the groups gnomAD compares: Non-Finnish European, 0.00034%; no homozygotes.

Submission:

Labcorp Genetics (formerly Invitae), Labcorp
Classification: Uncertain significance. Last evaluated: 2022-08-28. Review status: criteria provided, single submitter. Criteria: Invitae Variant Classification Sherloc (09022015). Collection method: clinical testing. Allele origin: germline.
Comment: This sequence change affects codon 918 of the ADAMTS17 mRNA. It is a 'silent' change, meaning that it does not change the encoded amino acid sequence of the ADAMTS17 protein. This variant is not present in population databases (gnomAD no frequency). This variant has not been reported in the literature in individuals affected with ADAMTS17-related conditions. Algorithms developed to predict the effect of sequence changes on RNA splicing suggest that this variant may create or strengthen a splice site. In summary, the available evidence is currently insufficient to determine the role of this variant in disease. Therefore, it has been classified as a Variant of Uncertain Significance.

NM_139057.4(ADAMTS17):c.2754C>T (p.Gly918=)

Gene: ADAMTS17 (ADAM metallopeptidase with thrombospondin type 1 motif 17; minus strand). Cytogenetic location: 15q26.3.
Variant type: single nucleotide variant.
Coding change: c.2754C>T on transcript NM_139057.4 (MANE Select); coding-DNA position 2754, C replaced by T.
Protein change: p.Gly918=; no amino-acid change (glycine 918 retained).
Molecular consequence: synonymous variant.
Genome position (GRCh38, 1-based): chr15:99,997,427, G>A on the plus strand (C>T on the coding strand, the complement: ADAMTS17 is on the minus strand). VCF-style: chr15-99997427-G-A. GRCh37 (hg19) VCF-style: chr15-100537632-G-A.
Identifiers: ClinVar variation 1929207 (VCV001929207.2), dbSNP rs2548003468, ClinGen allele CA492370302.